The following is an entry in ClinVar:

NM_000093.5(COL5A1):c.1431+6T>G

Gene: COL5A1 (collagen type V alpha 1 chain; plus strand). Cytogenetic location: 9q34.3.
Variant type: single nucleotide variant.
Coding change: c.1431+6T>G on transcript NM_000093.5 (MANE Select); 6 bases into the intron after coding-DNA position 1431, T replaced by G.
Molecular consequence: intron variant.
Genome position (GRCh38, 1-based): chr9:134,738,521, T>G. VCF-style: chr9-134738521-T-G. GRCh37 (hg19) VCF-style: chr9-137630367-T-G.
Other names: c.1431+6T>G (NM_001278074.1).
Identifiers: ClinVar variation 1189949 (VCV001189949.2), dbSNP rs2132655326, ClinGen allele CA2499219754.

ClinVar aggregate classification (germline): Uncertain significance (1 of 4 stars; one submission).

Submission:

GeneDx
Classification: Uncertain significance. Last evaluated: 2020-04-06. Review status: criteria provided, single submitter. Criteria: GeneDx Variant Classification Process June 2021. Collection method: clinical testing. Allele origin: germline. Affected: yes.
Comment: Has not been previously published as pathogenic or benign to our knowledge; Not observed in large population cohorts (Lek et al., 2016); In silico analysis supports that this variant does not alter splicing